The following is an entry in ClinVar:

ClinVar aggregate classification (germline): Uncertain significance (1 of 4 stars; one submission).

Conditions:
Inborn genetic diseases. Identifiers: MedGen C0950123, MeSH D030342.

Submission:

Ambry Genetics
Classification: Uncertain significance for Inborn genetic diseases. Last evaluated: 2025-07-31. Review status: criteria provided, single submitter. Criteria: Ambry Variant Classification Scheme 2023. Collection method: clinical testing. Allele origin: germline.
Comment: The p.T417A variant (also known as c.1249A>G), located in coding exon 8 of the MECOM gene, results from an A to G substitution at nucleotide position 1249. The threonine at codon 417 is replaced by alanine, an amino acid with similar properties. This amino acid position is conserved. In addition, this alteration is predicted to be tolerated by in silico analysis. Based on the available evidence, the clinical significance of this variant remains unclear.

NM_004991.4(MECOM):c.1249A>G (p.Thr417Ala)

Gene: MECOM (MDS1 and EVI1 complex locus; minus strand). Cytogenetic location: 3q26.2.
Variant type: single nucleotide variant.
Coding change: c.1249A>G on transcript NM_004991.4 (MANE Select); coding-DNA position 1249, A replaced by G.
Protein change: p.Thr417Ala; replaces threonine 417 with alanine.
Molecular consequence: missense variant. On other transcripts: intron variant (2).
Genome position (GRCh38, 1-based): chr3:169,116,623, T>C on the plus strand (A>G on the coding strand, the complement: MECOM is on the minus strand). VCF-style: chr3-169116623-T-C. GRCh37 (hg19) VCF-style: chr3-168834411-T-C.
Other names: c.1249A>G, p.Thr417Ala (NM_001366466.2); c.688A>G, p.Thr230Ala (NM_001366467.2, NM_001366468.2, NM_001366470.2 and 1 more transcripts); c.685A>G, p.Thr229Ala (NM_001366469.2, NM_001366471.2, NM_001366472.2 and 4 more transcripts); c.1133-856A>G (NM_001366473.2); c.569-856A>G (NM_001366474.2); c.880A>G, p.Thr294Ala (NM_001105077.4); short protein forms T294A, T229A, T230A, T417A.
Identifiers: ClinVar variation 4105803 (VCV004105803.1).